The following is an entry in ClinVar:

NM_002470.4(MYH3):c.4445T>C (p.Leu1482Pro)

Gene: MYH3 (myosin heavy chain 3; minus strand). Cytogenetic location: 17p13.1.
Variant type: single nucleotide variant.
Coding change: c.4445T>C on transcript NM_002470.4 (MANE Select); coding-DNA position 4445, T replaced by C.
Protein change: p.Leu1482Pro; replaces leucine 1482 with proline.
Molecular consequence: missense variant.
Genome position (GRCh38, 1-based): chr17:10,634,094, A>G on the plus strand (T>C on the coding strand, the complement: MYH3 is on the minus strand). VCF-style: chr17-10634094-A-G. GRCh37 (hg19) VCF-style: chr17-10537411-A-G.
Other names: short protein forms L1482P.
Identifiers: ClinVar variation 4800670 (VCV004800670.1).

ClinVar aggregate classification (germline): Uncertain significance (1 of 4 stars; one submission).

Submission:

Labcorp Genetics (formerly Invitae), Labcorp
Classification: Uncertain significance. Last evaluated: 2025-02-06. Review status: criteria provided, single submitter. Criteria: Invitae Variant Classification Sherloc (09022015). Collection method: clinical testing. Allele origin: germline.
Comment: This sequence change replaces leucine, which is neutral and non-polar, with proline, which is neutral and non-polar, at codon 1482 of the MYH3 protein (p.Leu1482Pro). This variant is not present in population databases (gnomAD no frequency). This variant has not been reported in the literature in individuals affected with MYH3-related conditions. Invitae Evidence Modeling of protein sequence and biophysical properties (such as structural, functional, and spatial information, amino acid conservation, physicochemical variation, residue mobility, and thermodynamic stability) has been performed for this missense variant. However, the output from this modeling did not meet the statistical confidence thresholds required to predict the impact of this variant on MYH3 protein function. In summary, the available evidence is currently insufficient to determine the role of this variant in disease. Therefore, it has been classified as a Variant of Uncertain Significance.